The following is an entry in ClinVar:

ClinVar aggregate classification (germline): Likely pathogenic (1 of 4 stars; one submission).

Conditions:
Primary ciliary dyskinesia 23 (CILD23). Also called: CILIARY DYSKINESIA, PRIMARY, 23, WITH OR WITHOUT SITUS INVERSUS. Identifiers: Orphanet 244, MedGen C3809548, MONDO:0014193, OMIM 615451.

Submission:

Labcorp Genetics (formerly Invitae), Labcorp
Classification: Likely pathogenic for Primary ciliary dyskinesia 23. Last evaluated: 2018-03-19. Review status: criteria provided, single submitter. Criteria: Invitae Variant Classification Sherloc (09022015). Collection method: clinical testing. Allele origin: germline.
Comment: This variant is a gross duplication of the genomic region encompassing exons 9-13 of the ARMC4 gene. While the exact position of the duplicated exons cannot be determined from this data, sub-genic duplications are generally in tandem (PMID: 25640679) and may result in an absent or disrupted protein product. This variant has not been reported in the literature in individuals with ARMC4-related disease. Loss-of-function variants in ARMC4 are known to be pathogenic (PMID: 23849778). In summary, the currently available evidence indicates that the variant is pathogenic, but additional data are needed to prove that conclusively. Therefore, this variant has been classified as Likely Pathogenic.

NM_018076.2(ODAD2):c.1143-487_1986+160dup

Gene: ODAD2 (outer dynein arm docking complex subunit 2; minus strand). Cytogenetic location: 10p12.1.
Variant type: Duplication.
Coding change: c.1143-487_1986+160dup on transcript NM_018076.2; 487 bases into the intron before coding-DNA position 1143 through 160 bases into the intron after coding-DNA position 1986, this stretch duplicated.
Identifiers: ClinVar variation 576616 (VCV000576616.1).